The following is an entry in ClinVar:

ClinVar aggregate classification (germline): Likely pathogenic (1 of 4 stars; one submission).

Conditions:
Factor XII deficiency disease. Also called: HAF DEFICIENCY; Reduced factor XII activity; F12 DEFICIENCY; Congenital factor XII deficiency. Identifiers: Orphanet 330, MedGen C0015526, MONDO:0009315, OMIM 234000, HP:0004841.

Submission:

First Genomix Gene Laboratory, Genetic Diagnostics Department
Classification: Likely pathogenic for Factor XII deficiency disease. Last evaluated: 2025-05-23. Review status: criteria provided, single submitter. Criteria: ACMG Guidelines, 2015. Collection method: clinical testing. Allele origin: germline. Inheritance: Autosomal recessive inheritance. Affected: no. Observed: 1 variant allele.

NM_000505.4(F12):c.1158C>A (p.Tyr386Ter)

Gene: F12 (coagulation factor XII; minus strand). Cytogenetic location: 5q35.3.
Variant type: single nucleotide variant.
Coding change: c.1158C>A on transcript NM_000505.4 (MANE Select); coding-DNA position 1158, C replaced by A.
Protein change: p.Tyr386Ter; replaces tyrosine 386 with a stop codon.
Molecular consequence: nonsense.
Genome position (GRCh38, 1-based): chr5:177,403,951, G>T on the plus strand (C>A on the coding strand, the complement: F12 is on the minus strand). VCF-style: chr5-177403951-G-T. GRCh37 (hg19) VCF-style: chr5-176830952-G-T.
Other names: short protein forms Y386*.
Identifiers: ClinVar variation 4849475 (VCV004849475.1).